The following continues an entry in ClinVar:

NM_005633.4(SOS1):c.755T>C (p.Ile252Thr)

Gene: SOS1. ClinVar aggregate classification (germline): Conflicting classifications of pathogenicity. Likely pathogenic (2); Uncertain significance (9); Likely benign (1).

Submissions 10 to 12 of 12:

Women's Health and Genetics/Laboratory Corporation of America, LabCorp
Classification: Uncertain significance. Last evaluated: 2017-05-26. Review status: criteria provided, single submitter. Criteria: LabCorp Variant Classification Summary - May 2015. Collection method: clinical testing. Allele origin: germline.
Comment: Variant summary: The SOS1 c.755T>C (p.Ile252Thr) variant involves the alteration of a conserved nucleotide in the Dbl homology (DH) domain of the protein (InterPro). 4/4 in silico tools predict a damaging outcome for this variant (SNPs&GO not captured due to low reliability index). This variant was found in 9/121942 control chromosomes in ExAC, predominantly observed in the Latino subpopulation at a frequency of 0.000259 (3/11562). This frequency is about 9 times the estimated maximal expected allele frequency of a pathogenic SOS1 variant (0.00003), suggesting this is possibly a benign polymorphism found primarily in the populations of Latino origin. This variant has been reported in multiple affected individuals with Noonan syndrome or Noonans related syndromes (Lepri_2011, Lepri_2014, Timeus_2013, and Moncini_2015). One reported family showed co-segregation of variant with disease, despite the clinical heterogeneous expressivity among the three affected individuals (Moncini_2015). Functional studies showed no or very mild activation of RAS-ERK pathway (Smith_2013 and Moncini_2015), which may explain the high MAF in population cohorts. Moncini_2015 detected differential allelic expression in all three patients from one family which may explain the clinical heterogeneous expressivity, and higher expression of the mutated allele in respect to the wild type possibly increasing the ERK activity. However, in another assay ERK activation was similar to wildtype (Smith_2013). Taken together, there is not enough evidence to prove the pathogenicity or neutrality of this variant; therefore it is currently classified as Variant of Unknown Significance until more evidence becomes available.

Genome Diagnostics Laboratory, The Hospital for Sick Children
Classification: Likely pathogenic for Noonan syndrome and Noonan-related syndrome. Last evaluated: 2016-12-12. Review status: criteria provided, single submitter. Criteria: ACMG Guidelines, 2015. Collection method: clinical testing. Allele origin: germline. Affected: yes.

Juno Genomics, Hangzhou Juno Genomics, Inc
Classification: Uncertain significance for Fibromatosis, gingival, 1; Noonan syndrome 4. Review status: criteria provided, single submitter. Criteria: ACMG Guidelines, 2015. Collection method: clinical testing. Allele origin: germline.
Comment: Multiple lines of computational evidence support a deleterious effect on the gene or gene product.;The prevalence of the variant in affected individuals is significantly increased compared to the prevalence in controls.

Literature cited by the submitters: PubMed 21387466 (cited by 4 submitters); PubMed 23756559 (cited by 4 submitters); PubMed 25712082 (cited by 4 submitters); PubMed 37019085 (cited by Labcorp Genetics (formerly Invitae), Labcorp); PubMed 37217689 (cited by Labcorp Genetics (formerly Invitae), Labcorp); PubMed 23487764 (cited by 4 submitters); PubMed 22253195 (cited by Dasa and Ambry Genetics); PubMed 29554876 (cited by Dasa and Ambry Genetics); PubMed 24803665 (cited by 3 submitters); PubMed 24451042 (cited by 3 submitters); PubMed 29907801 (cited by Ambry Genetics); PubMed 31368652 (cited by Ambry Genetics).